The following is an entry in ClinVar:

ClinVar aggregate classification (germline): Likely pathogenic (1 of 4 stars; one submission).

Submission:

Labcorp Genetics (formerly Invitae), Labcorp
Classification: Likely pathogenic. Last evaluated: 2022-04-24. Review status: criteria provided, single submitter. Criteria: Invitae Variant Classification Sherloc (09022015). Collection method: clinical testing. Allele origin: germline.
Comment: In summary, the currently available evidence indicates that the variant is pathogenic, but additional data are needed to prove that conclusively. Therefore, this variant has been classified as Likely Pathogenic. Algorithms developed to predict the effect of sequence changes on RNA splicing suggest that this variant may disrupt the consensus splice site. This variant has not been reported in the literature in individuals affected with DNAH9-related conditions. This variant is not present in population databases (gnomAD no frequency). This sequence change affects a donor splice site in intron 38 of the DNAH9 gene. It is expected to disrupt RNA splicing. Variants that disrupt the donor or acceptor splice site typically lead to a loss of protein function (PMID: 16199547), and loss-of-function variants in DNAH9 are known to be pathogenic (PMID: 30471718).

Literature cited by the submitters: PubMed 16199547; PubMed 30471718.

NM_001372.4(DNAH9):c.7552+1G>T

Gene: DNAH9 (dynein axonemal heavy chain 9; plus strand). Cytogenetic location: 17p12.
Variant type: single nucleotide variant.
Coding change: c.7552+1G>T on transcript NM_001372.4 (MANE Select); the canonical splice donor site of the intron after coding-DNA position 7552, G replaced by T.
Molecular consequence: splice donor variant.
Genome position (GRCh38, 1-based): chr17:11,769,330, G>T. VCF-style: chr17-11769330-G-T. GRCh37 (hg19) VCF-style: chr17-11672647-G-T.
Identifiers: ClinVar variation 2099837 (VCV002099837.4), dbSNP rs1483471573, ClinGen allele CA398190509.